The following is an entry in ClinVar:

NM_000492.4(CFTR):c.2620-26_2620-25insG

Gene: CFTR (CF transmembrane conductance regulator; plus strand). Cytogenetic location: 7q31.2.
Variant type: Insertion.
Coding change: c.2620-26_2620-25insG on transcript NM_000492.4 (MANE Select); 26 bases into the intron before coding-DNA position 2620 through 25 bases into the intron before coding-DNA position 2620, G inserted.
Molecular consequence: intron variant.
Genome position: GRCh38 VCF-style: chr7-117602800-A-AG. GRCh37 (hg19) VCF-style: chr7-117242854-A-AG.
Identifiers: ClinVar variation 555938 (VCV000555938.4), dbSNP rs776600589, ClinGen allele CA4451246.

ClinVar aggregate classification (germline): Uncertain significance. Review status: criteria provided, single submitter (1 of 4 stars). 3 submissions from 3 submitters: Uncertain significance (1). 2 of the submissions do not count toward it. Last evaluated 2019-06-07.

Conditions:
Cystic fibrosis (CF). Also called: MUCOVISCIDOSIS. Identifiers: Orphanet 586, MedGen C0010674, MONDO:0009061, OMIM 219700. Disease mechanism: loss of function.
CFTR-related disorder (CFTR-RD). Also called: CFTR-related disorders; CFTR-related condition. Identifiers: MedGen C5924204, MONDO:7770004.

Allele frequency attached by ClinVar (database versions not stated): gnomAD exomes below 0.00001; ExAC 0.00001.

Submissions (3):

Women's Health and Genetics/Laboratory Corporation of America, LabCorp
Classification: Uncertain significance. Last evaluated: 2019-06-07. Review status: criteria provided, single submitter. Criteria: LabCorp Variant Classification Summary - May 2015. Collection method: clinical testing. Allele origin: germline.
Comment: Variant summary: CFTR c.2620-26_2620-25insG is located at a position not widely known to affect splicing. 4/4 computational tools predict no significant impact on normal splicing. However, these predictions have yet to be confirmed by functional studies. The variant allele was found at a frequency of 4e-06 in 251450 control chromosomes. The available data on variant occurrences in the general population are insufficient to allow any conclusion about variant significance. To our knowledge, no occurrence of c.2620-26_2620-25insG in individuals affected with Cystic Fibrosis or Chronic Pancreatitis Risk and no experimental evidence demonstrating its impact on protein function have been reported. One clinical diagnostic laboratory has submitted clinical-significance assessments for this variant to ClinVar after 2014 without evidence for independent evaluation and classified the variant as likely benign. Based on the evidence outlined above, the variant was classified as uncertain significance.

Natera, Inc.
Classification: Uncertain significance for CFTR-related disorders. Last evaluated: 2018-07-25. Review status: no assertion criteria provided. Collection method: clinical testing. Allele origin: germline. Not counted in ClinVar's aggregate classification.

Counsyl
Classification: Likely benign for Cystic fibrosis. Last evaluated: 2018-01-04. Review status: no assertion criteria provided. Collection method: clinical testing. Allele origin: unknown. Not counted in ClinVar's aggregate classification.